The following is an entry in ClinVar:

NM_022575.4(VPS16):c.790C>T (p.Pro264Ser)

Gene: VPS16 (VPS16 core subunit of CORVET and HOPS complexes; plus strand). Cytogenetic location: 20p13.
Variant type: single nucleotide variant.
Coding change: c.790C>T on transcript NM_022575.4 (MANE Select); coding-DNA position 790, C replaced by T.
Protein change: p.Pro264Ser; replaces proline 264 with serine.
Molecular consequence: missense variant.
Genome position (GRCh38, 1-based): chr20:2,861,261, C>T. VCF-style: chr20-2861261-C-T. GRCh37 (hg19) VCF-style: chr20-2841907-C-T.
Other names: c.790C>T, p.Pro264Ser (NM_080413.3); short protein forms P264S.
Identifiers: ClinVar variation 4082827 (VCV004082827.1).

ClinVar aggregate classification (germline): Uncertain significance (1 of 4 stars; one submission).

gnomAD v4.1: 5 of 1,614,166 alleles (0.00031%); highest among the groups gnomAD compares: Non-Finnish European, 0.00042%; no homozygotes.

Submission:

GeneDx
Classification: Uncertain significance. Last evaluated: 2025-03-05. Review status: criteria provided, single submitter. Criteria: GeneDx Variant Classification Process June 2021. Collection method: clinical testing. Allele origin: germline. Affected: yes.
Comment: Not observed at significant frequency in large population cohorts (gnomAD); In silico analysis indicates that this missense variant does not alter protein structure/function; Has not been previously published as pathogenic or benign to our knowledge